The following is an entry in ClinVar:

NM_199242.3(UNC13D):c.2370C>T (p.Ala790=)

Gene: UNC13D (unc-13 homolog D; minus strand). Cytogenetic location: 17q25.1.
Variant type: single nucleotide variant.
Coding change: c.2370C>T on transcript NM_199242.3 (MANE Select); coding-DNA position 2370, C replaced by T.
Protein change: p.Ala790=; no amino-acid change (alanine 790 retained).
Molecular consequence: synonymous variant.
Genome position (GRCh38, 1-based): chr17:75,833,043, G>A on the plus strand (C>T on the coding strand, the complement: UNC13D is on the minus strand). VCF-style: chr17-75833043-G-A. GRCh37 (hg19) VCF-style: chr17-73829124-G-A.
Identifiers: ClinVar variation 1694210 (VCV001694210.10), dbSNP rs747428323, ClinGen allele CA8772566.
Genomic context (GRCh38, chr17:75,833,043, plus strand): 5'-CACCAAGTTGGTGTTCATGTAGCAAAGCTCCACCTCCAGGAACTTCATCAGGGGCAGAAT[G>A]GCCTGGGGAGGGAGATGGGGAGCAGGTGTGGCTCCGGCCCATGTTGGCCCCACCCCCATC-3'
Protein context (NP_954712.1, residues 780-800): GVRESVLPED[Ala790=]ILPLMKFLEV

ClinVar aggregate classification (germline): Conflicting classifications of pathogenicity. Review status: criteria provided, conflicting classifications (1 of 4 stars). 3 submissions from 3 submitters: Uncertain significance (1); Likely benign (1). 1 of the submissions does not count toward it. Last evaluated 2025-11-03.

Conditions:
Autoinflammatory syndrome. Identifiers: Orphanet 93665, MedGen C3890737, MONDO:0019751.
UNC13D-related disorder. Also called: UNC13D-related condition.
Familial hemophagocytic lymphohistiocytosis 3 (FHL3). Also called: UNC13D-Related Familial Hemophagocytic Lymphohistiocytosis (UNC13D-fHLH). Identifiers: Orphanet 540, MedGen C1837174, MONDO:0012146, OMIM 608898.

Allele frequency attached by ClinVar (database versions not stated): ExAC 0.00001; gnomAD 0.00001; gnomAD exomes 0.00002 and 0.00003; TOPMed 0.00003.
gnomAD v4.1: 28 of 1,604,168 alleles (0.0017%); highest among the groups gnomAD compares: Middle Eastern, 0.07%; no homozygotes.

Submissions (3):

Labcorp Genetics (formerly Invitae), Labcorp
Classification: Likely benign for Familial hemophagocytic lymphohistiocytosis 3. Last evaluated: 2025-11-03. Review status: criteria provided, single submitter. Criteria: Invitae Variant Classification Sherloc (09022015). Collection method: clinical testing. Allele origin: germline.

Genome Diagnostics Laboratory, The Hospital for Sick Children
Classification: Uncertain significance for Autoinflammatory syndrome. Last evaluated: 2017-12-01. Review status: criteria provided, single submitter. Criteria: ACMG Guidelines, 2015. Collection method: clinical testing. Allele origin: germline. Affected: yes.

PreventionGenetics, part of Exact Sciences
Classification: Likely benign for UNC13D-related condition. Last evaluated: 2019-06-18. Review status: no assertion criteria provided. Collection method: clinical testing. Allele origin: germline. Not counted in ClinVar's aggregate classification.
Comment: This variant is classified as likely benign based on ACMG/AMP sequence variant interpretation guidelines (Richards et al. 2015 PMID: 25741868, with internal and published modifications).